The following is an entry in ClinVar:

ClinVar aggregate classification (germline): Uncertain significance (1 of 4 stars; one submission).

Conditions:
Pilarowski-Bjornsson syndrome. Also called: DEVELOPMENTAL DELAY AND SPEECH APRAXIA WITH OR WITHOUT SEIZURES. Identifiers: Orphanet 529965, MedGen C4540131, MONDO:0060568, OMIM 617682.

Submission:

3billion
Classification: Uncertain significance for Pilarowski-Bjornsson syndrome. Last evaluated: 2024-11-20. Review status: criteria provided, single submitter. Criteria: ACMG Guidelines, 2015. Collection method: clinical testing. Allele origin: germline. Affected: yes.
Comment: The variant is not observed in the gnomAD v4.1.0 dataset. Predicted Consequence/Location: Missense variant. Missense changes are a common disease-causing mechanism. Damaging effect on gene or gene product predicted by in silico programs is uncertain [REVEL: 0.43 (damaging >=0.6, benign <0.4), 3Cnet: 0.06 (damaging >=0.6, benign <0.15)]. Therefore, this variant is classified as VUS according to the recommendation of ACMG/AMP guideline.

NM_001270.4(CHD1):c.1988A>G (p.Glu663Gly)

Gene: CHD1 (chromodomain helicase DNA binding protein 1; minus strand). Cytogenetic location: 5q15.
Variant type: single nucleotide variant.
Coding change: c.1988A>G on transcript NM_001270.4 (MANE Select); coding-DNA position 1988, A replaced by G.
Protein change: p.Glu663Gly; replaces glutamic acid 663 with glycine.
Molecular consequence: missense variant. On other transcripts: non-coding transcript variant (2).
Genome position (GRCh38, 1-based): chr5:98,893,419, T>C on the plus strand (A>G on the coding strand, the complement: CHD1 is on the minus strand). VCF-style: chr5-98893419-T-C. GRCh37 (hg19) VCF-style: chr5-98229123-T-C.
Other names: c.1988A>G, p.Glu663Gly (NM_001364113.3, NM_001376194.2); short protein forms E663G.
Identifiers: ClinVar variation 4293262 (VCV004293262.1).